The following is an entry in ClinVar:

NM_005633.4(SOS1):c.-21C>G

Genes: SOS1 (SOS Ras/Rac guanine nucleotide exchange factor 1; minus strand), LOC129933535 (ATAC-STARR-seq lymphoblastoid silent region 11384; plus strand). Cytogenetic location: 2p22.1.
Variant type: single nucleotide variant.
Coding change: c.-21C>G on transcript NM_005633.4 (MANE Select); 21 bases upstream of the start codon, C replaced by G.
Molecular consequence: 5 prime UTR variant. On other transcripts: intron variant (1).
Genome position (GRCh38, 1-based): chr2:39,120,443, G>C on the plus strand (C>G on the coding strand, the complement: SOS1 is on the minus strand). VCF-style: chr2-39120443-G-C. GRCh37 (hg19) VCF-style: chr2-39347584-G-C.
Other names: c.-21C>G (NM_001382395.1); c.66+4221C>G (NM_001382394.1).
Identifiers: ClinVar variation 378935 (VCV000378935.1), dbSNP rs1057520420, ClinGen allele CA16604230.

ClinVar aggregate classification (germline): Likely benign (1 of 4 stars; one submission).

Submission:

GeneDx
Classification: Likely benign. Last evaluated: 2016-11-04. Review status: criteria provided, single submitter. Criteria: GeneDx Variant Classification (06012015). Collection method: clinical testing. Allele origin: germline. Affected: yes.
Comment: This variant is considered likely benign or benign based on one or more of the following criteria: it is a conservative change, it occurs at a poorly conserved position in the protein, it is predicted to be benign by multiple in silico algorithms, and/or has population frequency not consistent with disease.